The following is an entry in ClinVar:

NM_015338.6(ASXL1):c.4613T>A (p.Leu1538His)

Gene: ASXL1 (ASXL transcriptional regulator 1; plus strand). Cytogenetic location: 20q11.21.
Variant type: single nucleotide variant.
Coding change: c.4613T>A on transcript NM_015338.6 (MANE Select); coding-DNA position 4613, T replaced by A.
Protein change: p.Leu1538His; replaces leucine 1538 with histidine.
Molecular consequence: missense variant.
Genome position (GRCh38, 1-based): chr20:32,437,325, T>A. VCF-style: chr20-32437325-T-A. GRCh37 (hg19) VCF-style: chr20-31025128-T-A.
Other names: c.4430T>A, p.Leu1477His (NM_001363734.1); short protein forms L1477H, L1538H.
Identifiers: ClinVar variation 3793472 (VCV003793472.1).
Genomic context (GRCh38, chr20:32,437,325, plus strand): 5'-GCTGCGGTGCGTTCTGTCACGATGACTGTATTGGACCCTCAAAGCTCTGTGTATTGTGCC[T>A]TGTGGTGAGATAATAAATTATGGCCATGGGAAACATTGTATATTTAGTGTGTGTATTTTG-3'
Protein context (NP_056153.2, residues 1528-1541): IGPSKLCVLC[Leu1538His]VVR

ClinVar aggregate classification (germline): Uncertain significance (1 of 4 stars; one submission).

Conditions:
Inborn genetic diseases. Identifiers: MedGen C0950123, MeSH D030342.

Submission:

Ambry Genetics
Classification: Uncertain significance for Inborn genetic diseases. Last evaluated: 2025-02-12. Review status: criteria provided, single submitter. Criteria: Ambry Variant Classification Scheme 2023. Collection method: clinical testing. Allele origin: germline.
Comment: The p.L1538H variant (also known as c.4613T>A), located in coding exon 13 of the ASXL1 gene, results from a T to A substitution at nucleotide position 4613. The leucine at codon 1538 is replaced by histidine, an amino acid with similar properties. This amino acid position is conserved. In addition, this alteration is predicted to be deleterious by in silico analysis. Based on the available evidence, the clinical significance of this variant remains unclear.